The following is an entry in ClinVar:

NM_020791.4(TAOK1):c.1813C>T (p.Arg605Ter)

Gene: TAOK1 (TAO kinase 1; plus strand). Cytogenetic location: 17q11.2.
Variant type: single nucleotide variant.
Coding change: c.1813C>T on transcript NM_020791.4 (MANE Select); coding-DNA position 1813, C replaced by T.
Protein change: p.Arg605Ter; replaces arginine 605 with a stop codon.
Molecular consequence: nonsense. On other transcripts: intron variant (1).
Genome position (GRCh38, 1-based): chr17:29,517,561, C>T. VCF-style: chr17-29517561-C-T. GRCh37 (hg19) VCF-style: chr17-27844579-C-T.
Other names: c.1813C>T (NM_020791.2); c.1704+6569C>T (NM_025142.1); short protein forms R605*.
Identifiers: ClinVar variation 1879365 (VCV001879365.31), dbSNP rs1026063439, ClinGen allele CA289647188.
Genomic context (GRCh38, chr17:29,517,561, plus strand): 5'-CTTTCAAAGCAGAAGGAGAATATACAGCATTTCCAAGCAGAAGAAGAAGCTAACCTTCTT[C>T]GACGTCAAAGACAATACCTAGAGCTGGAATGCCGTCGCTTCAAGAGAAGAATGTTACTTG-3'

ClinVar aggregate classification (germline): Pathogenic. Review status: criteria provided, multiple submitters, no conflicts (2 of 4 stars). 2 submissions from 2 submitters: Pathogenic (2). Last evaluated 2025-06-05.

Allele frequency attached by ClinVar (database versions not stated): TOPMed below 0.00001.

Submissions (2):

GeneDx
Classification: Pathogenic. Last evaluated: 2025-06-05. Review status: criteria provided, single submitter. Criteria: GeneDx Variant Classification Process June 2021. Collection method: clinical testing. Allele origin: germline. Affected: yes.
Comment: Nonsense variant predicted to result in protein truncation or nonsense mediated decay in a gene for which loss of function is a known mechanism of disease; Not observed at significant frequency in large population cohorts (gnomAD); This variant is associated with the following publications: (PMID: 33565190)

CeGaT Center for Human Genetics Tuebingen
Classification: Pathogenic. Last evaluated: 2022-11-01. Review status: criteria provided, single submitter. Criteria: CeGaT Center For Human Genetics Tuebingen Variant Classification Criteria Version 2. Collection method: clinical testing. Allele origin: germline. Affected: yes. Observed: 1 variant allele.
Comment: TAOK1: PVS1, PM2